The following is an entry in ClinVar:

ClinVar aggregate classification (germline): Uncertain significance. Review status: criteria provided, single submitter (1 of 4 stars). 2 submissions from 2 submitters: Uncertain significance (1). 1 of the submissions does not count toward it. Last evaluated 2019-12-08.

Conditions:
3-methylcrotonyl-CoA carboxylase 1 deficiency (MCC1D). Also called: MCCD TYPE 1; METHYLCROTONYLGLYCINURIA TYPE I; MCC 1 deficiency; 3 Alpha methylcrotonylglycinuria 1. Identifiers: Orphanet 6, MedGen CN028786, MONDO:0008861, OMIM 210200.

Allele frequency attached by ClinVar (database versions not stated): gnomAD exomes below 0.00001.
gnomAD v4.1: 1 of 1,610,804 alleles (0.000062%); highest among the groups gnomAD compares: Non-Finnish European, 0.000085%; no homozygotes.

Submissions (2):

Labcorp Genetics (formerly Invitae), Labcorp
Classification: Uncertain significance for 3-methylcrotonyl-CoA carboxylase 1 deficiency. Last evaluated: 2019-12-08. Review status: criteria provided, single submitter. Criteria: Invitae Variant Classification Sherloc (09022015). Collection method: clinical testing. Allele origin: germline.
Comment: This variant has not been reported in the literature in individuals with MCCC1-related conditions. In summary, the available evidence is currently insufficient to determine the role of this variant in disease. Therefore, it has been classified as a Variant of Uncertain Significance. Algorithms developed to predict the effect of missense changes on protein structure and function (SIFT, PolyPhen-2, Align-GVGD) all suggest that this variant is likely to be disruptive, but these predictions have not been confirmed by published functional studies and their clinical significance is uncertain. This variant is not present in population databases (ExAC no frequency). This sequence change replaces serine with glycine at codon 277 of the MCCC1 protein (p.Ser277Gly). The serine residue is highly conserved and there is a small physicochemical difference between serine and glycine.

Natera, Inc.
Classification: Uncertain significance for 3-methylcrotonyl-CoA carboxylase 1 deficiency. Last evaluated: 2021-07-15. Review status: no assertion criteria provided. Collection method: clinical testing. Allele origin: germline. Not counted in ClinVar's aggregate classification.

NM_020166.5(MCCC1):c.829A>G (p.Ser277Gly)

Gene: MCCC1 (methylcrotonyl-CoA carboxylase subunit 1; minus strand). Cytogenetic location: 3q27.1.
Variant type: single nucleotide variant.
Coding change: c.829A>G on transcript NM_020166.5 (MANE Select); coding-DNA position 829, A replaced by G.
Protein change: p.Ser277Gly; replaces serine 277 with glycine.
Molecular consequence: missense variant. On other transcripts: non-coding transcript variant (2).
Genome position (GRCh38, 1-based): chr3:183,057,355, T>C on the plus strand (A>G on the coding strand, the complement: MCCC1 is on the minus strand). VCF-style: chr3-183057355-T-C. GRCh37 (hg19) VCF-style: chr3-182775143-T-C.
Other names: c.478A>G, p.Ser160Gly (NM_001293273.2); c.502A>G, p.Ser168Gly (NM_001363880.1); short protein forms S160G, S168G, S277G.
Identifiers: ClinVar variation 856490 (VCV000856490.12), dbSNP rs1715498129, ClinGen allele CA355327776.
Genomic context (GRCh38, chr3:183,057,355, plus strand): 5'-TTTCCAAGGTCCTTACCGCTGGGGCCTCCTCAATGATCTTCTGATGTCGCCTCTGCACAC[T>C]ACAGTCTCTTTCAAACAAGTACACAGCATTGCCATGGTGATCACCAAACACCTGGACTTC-3'
Protein context (NP_064551.3, residues 267-287): NAVYLFERDC[Ser277Gly]VQRRHQKIIE